The following is an entry in ClinVar:

ClinVar aggregate classification (germline): Likely benign (1 of 4 stars; one submission).

Submission:

Mayo Clinic Laboratories, Mayo Clinic
Classification: Likely benign. Last evaluated: 2025-01-06. Review status: criteria provided, single submitter. Criteria: ACMG Guidelines, 2015. Collection method: clinical testing. Allele origin: germline. Observed: 1 variant allele.
Comment: BP4, BP7

NM_001256071.3(RNF213):c.8025C>T (p.His2675=)

Gene: RNF213 (ring finger protein 213; plus strand). Cytogenetic location: 17q25.3.
Variant type: single nucleotide variant.
Coding change: c.8025C>T on transcript NM_001256071.3 (MANE Select); coding-DNA position 8025, C replaced by T.
Protein change: p.His2675=; no amino-acid change (histidine 2675 retained).
Molecular consequence: synonymous variant.
Genome position (GRCh38, 1-based): chr17:80,346,360, C>T. VCF-style: chr17-80346360-C-T. GRCh37 (hg19) VCF-style: chr17-78320160-C-T.
Other names: p.His2675=; c.8172C>T, p.His2724= (NM_001410195.1, NM_020914.5).
Identifiers: ClinVar variation 4684267 (VCV004684267.1).